The following is an entry in ClinVar:

ClinVar aggregate classification (germline): Uncertain significance (1 of 4 stars; one submission).

Conditions:
Chédiak-Higashi syndrome (CHS). Also called: Chediak-Higashi Syndrome. Identifiers: Orphanet 167, MedGen C0007965, MONDO:0008963, OMIM 214500.

Allele frequency attached by ClinVar (database versions not stated): gnomAD exomes below 0.00001.
gnomAD v4.1: 1 of 1,614,174 alleles (0.000062%); highest among the groups gnomAD compares: Non-Finnish European, 0.000085%; no homozygotes.

Submission:

Labcorp Genetics (formerly Invitae), Labcorp
Classification: Uncertain significance for Chédiak-Higashi syndrome. Last evaluated: 2021-09-10. Review status: criteria provided, single submitter. Criteria: Invitae Variant Classification Sherloc (09022015). Collection method: clinical testing. Allele origin: germline.
Comment: This sequence change replaces serine with glycine at codon 2188 of the LYST protein (p.Ser2188Gly). The serine residue is weakly conserved and there is a small physicochemical difference between serine and glycine. This variant is not present in population databases (ExAC no frequency). This variant has not been reported in the literature in individuals affected with LYST-related conditions. Algorithms developed to predict the effect of missense changes on protein structure and function output the following: SIFT: "Tolerated"; PolyPhen-2: "Benign"; Align-GVGD: "Class C0". The glycine amino acid residue is found in multiple mammalian species, which suggests that this missense change does not adversely affect protein function. In summary, the available evidence is currently insufficient to determine the role of this variant in disease. Therefore, it has been classified as a Variant of Uncertain Significance.

NM_000081.4(LYST):c.6562A>G (p.Ser2188Gly)

Gene: LYST (lysosomal trafficking regulator; minus strand). Cytogenetic location: 1q42.3.
Variant type: single nucleotide variant.
Coding change: c.6562A>G on transcript NM_000081.4 (MANE Select); coding-DNA position 6562, A replaced by G.
Protein change: p.Ser2188Gly; replaces serine 2188 with glycine.
Molecular consequence: missense variant.
Genome position (GRCh38, 1-based): chr1:235,759,291, T>C on the plus strand (A>G on the coding strand, the complement: LYST is on the minus strand). VCF-style: chr1-235759291-T-C. GRCh37 (hg19) VCF-style: chr1-235922591-T-C.
Other names: c.6562A>G, p.Ser2188Gly (NM_001301365.1); short protein forms S2188G.
Identifiers: ClinVar variation 1462363 (VCV001462363.4), dbSNP rs2527808435, ClinGen allele CA344940930.
Genomic context (GRCh38, chr1:235,759,291, plus strand): 5'-CCAACTGTTTATGATCTGCTTTGACCACTGGAAATCCCAGCACTCCCTTTGGGACATCAC[T>C]GACAGAGACCTGGGCTGAGAGGACAGCTTCCATTTCACAAACAGTTTTTGCAGACTCACA-3'
Protein context (NP_000072.2, residues 2178-2198): EAVLSAQVSV[Ser2188Gly]DVPKGVLGFP